The following is an entry in ClinVar:

ClinVar aggregate classification (germline): Pathogenic (1 of 4 stars; one submission).

Conditions:
Familial cancer of breast. Also called: BREAST CANCER, FAMILIAL; hereditary breast carcinoma; Hereditary breast cancer. Identifiers: Orphanet 227535, MedGen C0346153, MONDO:0016419, OMIM 114480. Disease mechanism: loss of function.

Submission:

Myriad Genetics, Inc.
Classification: Pathogenic for Familial cancer of breast. Last evaluated: 2023-06-23. Review status: criteria provided, single submitter. Criteria: Myriad Autosomal Dominant, Autosomal Recessive and X-Linked Classification Criteria (2023). Collection method: clinical testing. Allele origin: unknown.
Comment: This variant is considered pathogenic. This variant creates a termination codon and is predicted to result in premature protein truncation.

NM_007194.4(CHEK2):c.241G>T (p.Glu81Ter)

Gene: CHEK2 (checkpoint kinase 2; minus strand). Cytogenetic location: 22q12.1.
Variant type: single nucleotide variant.
Coding change: c.241G>T on transcript NM_007194.4 (MANE Select); coding-DNA position 241, G replaced by T.
Protein change: p.Glu81Ter; replaces glutamic acid 81 with a stop codon.
Molecular consequence: nonsense.
Genome position (GRCh38, 1-based): chr22:28,734,481, C>A on the plus strand (G>T on the coding strand, the complement: CHEK2 is on the minus strand). VCF-style: chr22-28734481-C-A. GRCh37 (hg19) VCF-style: chr22-29130469-C-A.
Other names: c.241G>T, p.Glu81Ter (NM_001005735.3, NM_001349956.3, NM_145862.3); c.-537G>T (NM_001257387.3); short protein forms E81*.
Identifiers: ClinVar variation 2584315 (VCV002584315.2), dbSNP rs1555932335, ClinGen allele CA411090620.